The following is an entry in ClinVar:

NM_004273.5(CHST3):c.1036G>A (p.Glu346Lys)

Gene: CHST3 (carbohydrate sulfotransferase 3; plus strand). Cytogenetic location: 10q22.1.
Variant type: single nucleotide variant.
Coding change: c.1036G>A on transcript NM_004273.5 (MANE Select); coding-DNA position 1036, G replaced by A.
Protein change: p.Glu346Lys; replaces glutamic acid 346 with lysine.
Molecular consequence: missense variant.
Genome position (GRCh38, 1-based): chr10:72,008,067, G>A. VCF-style: chr10-72008067-G-A. GRCh37 (hg19) VCF-style: chr10-73767825-G-A.
Other names: short protein forms E346K.
Identifiers: ClinVar variation 2133662 (VCV002133662.4), dbSNP rs2494772565, ClinGen allele CA377150398.

ClinVar aggregate classification (germline): Uncertain significance (1 of 4 stars; one submission).

Conditions:
Spondyloepiphyseal dysplasia with congenital joint dislocations (SEDCJD). Also called: Chondrodysplasia with Congenital Joint Dislocations, CHST3-Related. Identifiers: Orphanet 263463, MedGen C1837657, MONDO:0007738, OMIM 143095.

gnomAD v4.1: 1 of 1,546,620 alleles (0.000065%); highest among the groups gnomAD compares: South Asian, 0.0012%; no homozygotes.

Submission:

Labcorp Genetics (formerly Invitae), Labcorp
Classification: Uncertain significance for Spondyloepiphyseal dysplasia with congenital joint dislocations. Last evaluated: 2022-05-04. Review status: criteria provided, single submitter. Criteria: Invitae Variant Classification Sherloc (09022015). Collection method: clinical testing. Allele origin: germline.
Comment: In summary, the available evidence is currently insufficient to determine the role of this variant in disease. Therefore, it has been classified as a Variant of Uncertain Significance. Algorithms developed to predict the effect of missense changes on protein structure and function are either unavailable or do not agree on the potential impact of this missense change (SIFT: "Tolerated"; PolyPhen-2: "Probably Damaging"; Align-GVGD: "Class C0"). This variant has not been reported in the literature in individuals affected with CHST3-related conditions. This variant is not present in population databases (gnomAD no frequency). This sequence change replaces glutamic acid, which is acidic and polar, with lysine, which is basic and polar, at codon 346 of the CHST3 protein (p.Glu346Lys).